The following is an entry in ClinVar:

NM_002878.4(RAD51D):c.29C>T (p.Pro10Leu)

Genes: RAD51D (RAD51 paralog D; minus strand), RAD51L3-RFFL (RAD51L3-RFFL readthrough; minus strand). Cytogenetic location: 17q12.
Variant type: single nucleotide variant.
Coding change: c.29C>T on transcript NM_002878.4 (MANE Select); coding-DNA position 29, C replaced by T.
Protein change: p.Pro10Leu; replaces proline 10 with leucine.
Molecular consequence: missense variant. On other transcripts: non-coding transcript variant (2).
Genome position (GRCh38, 1-based): chr17:35,119,585, G>A on the plus strand (C>T on the coding strand, the complement: RAD51D is on the minus strand). VCF-style: chr17-35119585-G-A. GRCh37 (hg19) VCF-style: chr17-33446604-G-A.
Other names: c.29C>T, p.Pro10Leu (NM_001142571.2, NM_133629.3); short protein forms P10L.
Identifiers: ClinVar variation 472596 (VCV000472596.24), dbSNP rs759505297, ClinGen allele CA8499708.
Genomic context (GRCh38, chr17:35,119,585, plus strand): 5'-CGGTCACCTGTCTTGATCCTGTGGCTCCTGAGAAGCTGGATCATCTCCTCGGTAAGGCCA[G>A]GGCACAGTCCGACCCTGAGCACGCCCATGTTCCCCGCAGGCCGGAACAGCCCCAGGGGGA-3'
Protein context (NP_002869.3, residues 1-20): MGVLRVGLC[Pro10Leu]GLTEEMIQLL

ClinVar aggregate classification (germline): Uncertain significance. Review status: criteria provided, multiple submitters, no conflicts (2 of 4 stars). 8 submissions from 8 submitters: Uncertain significance (8). Last evaluated 2026-03-09.

Conditions:
Breast-ovarian cancer, familial, susceptibility to, 4. Identifiers: Orphanet 145, MedGen C3280345, MONDO:0013669, OMIM 614291.
Hereditary breast ovarian cancer syndrome. Also called: Hereditary breast and ovarian cancer; Hereditary breast and ovarian cancer syndrome; Hereditary breast and/or ovarian cancer syndrome; BRCA1- and BRCA2-Associated Hereditary Breast and Ovarian Cancer; Hereditary breast and ovarian cancer syndrome (HBOC); Breast and ovarian cancer. Identifiers: Orphanet 145, MedGen C0677776, MeSH D061325, MONDO:0003582. Disease mechanism: loss of function.
Hereditary cancer-predisposing syndrome. Also called: Neoplastic Syndromes, Hereditary; Hereditary Cancer Syndrome; Hereditary neoplastic syndrome; Tumor predisposition. Identifiers: Orphanet 140162, MedGen C0027672, MeSH D009386, MONDO:0015356.

Allele frequency attached by ClinVar (database versions not stated): gnomAD exomes 0.00003 and 0.00005; TOPMed below 0.00001; ExAC 0.00007.
gnomAD v4.1: 50 of 1,612,538 alleles (0.0031%); highest among the groups gnomAD compares: South Asian, 0.054%; no homozygotes.

Submissions (8):

Institute for Biomarker Research, Medical Diagnostic Laboratories, L.L.C.
Classification: Uncertain significance for Hereditary breast ovarian cancer syndrome. Last evaluated: 2026-03-09. Review status: criteria provided, single submitter. Criteria: ACMG Guidelines, 2015. Collection method: clinical testing. Allele origin: germline.
Comment: The missense variant NM_002878.3(RAD51D):c.29C>T (p.Pro10Leu) is not currently classified as pathogenic or benign in clinical sourcesAccession: VCV000472596.23). There is a moderate physicochemical difference between proline and leucine. The p.Pro10Leu missense variant is predicted to be damaging by both SIFT and PolyPhen2. The proline residue at codon 10 of RAD51D is conserved in all mammalian species. The nucleotide c.29 in RAD51D is predicted conserved by GERP++ and PhyloP across 100 vertebrates. For these reasons, this variant has been classified as Uncertain Significance.

Labcorp Genetics (formerly Invitae), Labcorp
Classification: Uncertain significance for Breast-ovarian cancer, familial, susceptibility to, 4. Last evaluated: 2025-12-08. Review status: criteria provided, single submitter. Criteria: Invitae Variant Classification Sherloc (09022015). Collection method: clinical testing. Allele origin: germline.
Comment: This sequence change replaces proline, which is neutral and non-polar, with leucine, which is neutral and non-polar, at codon 10 of the RAD51D protein (p.Pro10Leu). This variant is present in population databases (rs759505297, gnomAD 0.04%). This missense change has been observed in individual(s) with breast and/or ovarian cancer and Lynch syndrome-associated cancer and/or colorectal polyps (PMID: 25980754, 29470806, 34326862). ClinVar contains an entry for this variant (Variation ID: 472596). An algorithm developed to predict the effect of missense changes on protein structure and function (PolyPhen-2) suggests that this variant is likely to be disruptive. In summary, the available evidence is currently insufficient to determine the role of this variant in disease. Therefore, it has been classified as a Variant of Uncertain Significance.

Quest Diagnostics Nichols Institute San Juan Capistrano
Classification: Uncertain significance. Last evaluated: 2025-06-10. Review status: criteria provided, single submitter. Criteria: Quest Diagnostics criteria. Collection method: clinical testing. Allele origin: unknown.
Comment: The RAD51D c.29C>T (p.Pro10Leu) variant has been reported in the published literature in individuals with breast cancer and/or ovarian cancer (PMID: 29470806 (2018)) and a Lynch syndrome associated cancer and/or polyps (PMID: 25980754 (2015)). This variant has also been identified in an individual suspected of hereditary cancer syndrome (PMID: 34326862 (2021)). The frequency of this variant in the general population (Genome Aggregation Database) is uninformative in the assessment of its pathogenicity. Analysis of this variant using bioinformatics tools (i.e., MutationTaster and PolyPhen-2) for the prediction of the effect of amino acid changes on protein structure and function yielded conflicting predictions that this variant is benign or damaging. Based on the available information, we are unable to determine the clinical significance of this variant.

Color Diagnostics, LLC DBA Color Health
Classification: Uncertain significance for Hereditary cancer-predisposing syndrome. Last evaluated: 2024-05-10. Review status: criteria provided, single submitter. Criteria: ACMG Guidelines, 2015. Collection method: clinical testing. Allele origin: germline.
Comment: This missense variant replaces proline with leucine at codon 10 of the RAD51D protein. Computational prediction suggests that this variant may not impact protein structure and function. To our knowledge, functional studies have not been reported for this variant. This variant has been reported in individuals affected with breast and/or ovarian cancer (PMID:29470806, 34326862). This variant has been identified in 12/247692 chromosomes in the general population by the Genome Aggregation Database (gnomAD). The available evidence is insufficient to determine the role of this variant in disease conclusively. Therefore, this variant is classified as a Variant of Uncertain Significance.

Ambry Genetics
Classification: Uncertain significance for Hereditary cancer-predisposing syndrome. Last evaluated: 2024-03-19. Review status: criteria provided, single submitter. Criteria: Ambry Variant Classification Scheme 2023. Collection method: clinical testing. Allele origin: germline.
Comment: The p.P10L variant (also known as c.29C>T), located in coding exon 1 of the RAD51D gene, results from a C to T substitution at nucleotide position 29. The proline at codon 10 is replaced by leucine, an amino acid with similar properties. This variant was observed in a study of 1010 unrelated Indian patients with breast and/or ovarian cancer (Singh J et al. Breast Cancer Res Treat, 2018 Jul;170:189-196). This variant was also identified in a patient with breast and colorectal cancers as part of a large Canadian cohort study of 2870 individuals (Bhai P et al. Front Genet, 2021 Jul;12:698595). This amino acid position is highly conserved in available vertebrate species. In addition, the in silico prediction for this alteration is inconclusive. Since supporting evidence is limited at this time, the clinical significance of this alteration remains unclear.

Department of Pathology and Laboratory Medicine, Sinai Health System
Classification: Uncertain significance for Hereditary breast ovarian cancer syndrome. Last evaluated: 2024-01-09. Review status: criteria provided, single submitter. Criteria: ACMG Guidelines, 2015. Collection method: clinical testing. Allele origin: germline. Affected: yes.

Baylor Genetics
Classification: Uncertain significance for Breast-ovarian cancer, familial, susceptibility to, 4. Last evaluated: 2023-09-09. Review status: criteria provided, single submitter. Criteria: ACMG Guidelines, 2015. Collection method: clinical testing. Allele origin: unknown.

GeneDx
Classification: Uncertain significance. Last evaluated: 2019-08-22. Review status: criteria provided, single submitter. Criteria: GeneDx Variant Classification Process June 2021. Collection method: clinical testing. Allele origin: germline. Affected: yes.
Comment: Not observed at a significant frequency in large population cohorts (Lek et al., 2016); In silico analysis, which includes protein predictors and evolutionary conservation, supports a deleterious effect; Observed in multiple individuals with cancer in published literature, but familial segregation information, in vitro functional studies, and additional clinical information were not included (Yurgelun et al., 2015; Singh et al., 2018); This variant is associated with the following publications: (PMID: 25980754, 29470806)

Literature cited by the submitters: PubMed 25980754 (cited by 3 submitters); PubMed 29470806 (cited by 5 submitters); PubMed 34326862 (cited by 4 submitters).